The following is an entry in ClinVar:

NM_018489.3(ASH1L):c.1085G>A (p.Gly362Asp)

Gene: ASH1L (ASH1 like histone lysine methyltransferase; minus strand). Cytogenetic location: 1q22.
Variant type: single nucleotide variant.
Coding change: c.1085G>A on transcript NM_018489.3 (MANE Select); coding-DNA position 1085, G replaced by A.
Protein change: p.Gly362Asp; replaces glycine 362 with aspartic acid.
Molecular consequence: missense variant.
Genome position (GRCh38, 1-based): chr1:155,481,785, C>T on the plus strand (G>A on the coding strand, the complement: ASH1L is on the minus strand). VCF-style: chr1-155481785-C-T. GRCh37 (hg19) VCF-style: chr1-155451576-C-T.
Other names: c.1085G>A, p.Gly362Asp (NM_001366177.2); short protein forms G362D.
Identifiers: ClinVar variation 3776323 (VCV003776323.1).

ClinVar aggregate classification (germline): Uncertain significance (1 of 4 stars; one submission).

Submission:

GeneDx
Classification: Uncertain significance. Last evaluated: 2024-10-07. Review status: criteria provided, single submitter. Criteria: GeneDx Variant Classification Process June 2021. Collection method: clinical testing. Allele origin: germline. Affected: yes.
Comment: Not observed at significant frequency in large population cohorts (gnomAD); In silico analysis indicates that this missense variant does not alter protein structure/function; Has not been previously published as pathogenic or benign to our knowledge